The following is an entry in ClinVar:

NM_001943.5(DSG2):c.2366A>G (p.Asn789Ser)

Genes: DSG2 (desmoglein 2; plus strand), DSG2-AS1 (DSG2 antisense RNA 1; minus strand). Cytogenetic location: 18q12.1.
Variant type: single nucleotide variant.
Coding change: c.2366A>G on transcript NM_001943.5 (MANE Select); coding-DNA position 2366, A replaced by G.
Protein change: p.Asn789Ser; replaces asparagine 789 with serine.
Molecular consequence: missense variant. On other transcripts: non-coding transcript variant (1).
Genome position (GRCh38, 1-based): chr18:31,545,752, A>G. VCF-style: chr18-31545752-A-G. GRCh37 (hg19) VCF-style: chr18-29125715-A-G.
Other names: short protein forms N789S.
Identifiers: ClinVar variation 926337 (VCV000926337.11), dbSNP rs2073300346, ClinGen allele CA402144431.
Genomic context (GRCh38, chr18:31,545,752, plus strand): 5'-GTGTTTGTTTTGTTTTGTTTTCATTTTAGAAAGCGGCCTCTTACACTGAGGAAGATGAAA[A>G]TCACACAGCCAAAGATTGCCTTCTGGTTTATTCTCAGGAAGAAACTGAATCGCTGAATGC-3'
Protein context (NP_001934.2, residues 779-799): KAASYTEEDE[Asn789Ser]HTAKDCLLVY

ClinVar aggregate classification (germline): Conflicting classifications of pathogenicity. Review status: criteria provided, conflicting classifications (1 of 4 stars). 2 submissions from 2 submitters: Uncertain significance (1); Likely benign (1). Last evaluated 2024-08-29.

Conditions:
Cardiomyopathy (CMYO). Also called: Cardiomyopathies. Identifiers: Orphanet 167848, MedGen C0878544, MONDO:0004994, HP:0001638. Inheritance: Various modes of inheritance.
Arrhythmogenic right ventricular dysplasia 10. Also called: ARRHYTHMOGENIC RIGHT VENTRICULAR DYSPLASIA, FAMILIAL, 10; Arrhythmogenic right ventricular dysplasia/cardiomyopathy, type 10; Arrhythmogenic Right Ventricular Dysplasia/Cardiomyopathy10. Identifiers: MedGen C1857777, MONDO:0012434, OMIM 610193.

Submissions (2):

Color Diagnostics, LLC DBA Color Health
Classification: Likely benign for Cardiomyopathy. Last evaluated: 2024-08-29. Review status: criteria provided, single submitter. Criteria: ACMG Guidelines, 2015. Collection method: clinical testing. Allele origin: germline.

Labcorp Genetics (formerly Invitae), Labcorp
Classification: Uncertain significance for Arrhythmogenic right ventricular dysplasia 10. Last evaluated: 2020-04-13. Review status: criteria provided, single submitter. Criteria: Invitae Variant Classification Sherloc (09022015). Collection method: clinical testing. Allele origin: germline.
Comment: In summary, the available evidence is currently insufficient to determine the role of this variant in disease. Therefore, it has been classified as a Variant of Uncertain Significance. Algorithms developed to predict the effect of missense changes on protein structure and function output the following: SIFT: "Tolerated"; PolyPhen-2: "Benign"; Align-GVGD: "Class C0". The serine amino acid residue is found in multiple mammalian species, suggesting that this missense change does not adversely affect protein function. These predictions have not been confirmed by published functional studies and their clinical significance is uncertain. This variant has not been reported in the literature in individuals with DSG2-related disease. This variant is not present in population databases (ExAC no frequency). This sequence change replaces asparagine with serine at codon 789 of the DSG2 protein (p.Asn789Ser). The asparagine residue is weakly conserved and there is a small physicochemical difference between asparagine and serine.